The following is an entry in ClinVar:

ClinVar aggregate classification (germline): Uncertain significance. Review status: criteria provided, multiple submitters, no conflicts (2 of 4 stars). 4 submissions from 4 submitters: Uncertain significance (4). Last evaluated 2024-09-11.

Conditions:
Inborn genetic diseases. Identifiers: MedGen C0950123, MeSH D030342.
Fanconi anemia complementation group P. Also called: SLX4-Related Fanconi Anemia. Identifiers: Orphanet 84, MedGen C3469542, MONDO:0013499, OMIM 613951.
Fanconi anemia (FA). Also called: Fanconi's anemia. Identifiers: Orphanet 84, MedGen C0015625, MeSH D005199, MONDO:0019391.

Allele frequency attached by ClinVar (database versions not stated): TOPMed 0.00003; gnomAD 0.00005; gnomAD exomes 0.00006; ExAC 0.00008; ESP Exome Variant Server 0.00008.
gnomAD v4.1: 98 of 1,613,158 alleles (0.0061%); highest among the groups gnomAD compares: African/African-American, 0.008%; no homozygotes.

Submissions (4):

Ambry Genetics
Classification: Uncertain significance for Inborn genetic diseases. Last evaluated: 2024-09-11. Review status: criteria provided, single submitter. Criteria: Ambry Variant Classification Scheme 2023. Collection method: clinical testing. Allele origin: germline.

Labcorp Genetics (formerly Invitae), Labcorp
Classification: Uncertain significance for Fanconi anemia. Last evaluated: 2024-01-30. Review status: criteria provided, single submitter. Criteria: Invitae Variant Classification Sherloc (09022015). Collection method: clinical testing. Allele origin: germline.
Comment: This sequence change replaces arginine, which is basic and polar, with tryptophan, which is neutral and slightly polar, at codon 1826 of the SLX4 protein (p.Arg1826Trp). This variant is present in population databases (rs199736788, gnomAD 0.02%). This variant has not been reported in the literature in individuals affected with SLX4-related conditions. ClinVar contains an entry for this variant (Variation ID: 1336585). An algorithm developed to predict the effect of missense changes on protein structure and function (PolyPhen-2) suggests that this variant¬†is likely to be tolerated. In summary, the available evidence is currently insufficient to determine the role of this variant in disease. Therefore, it has been classified as a Variant of Uncertain Significance.

Fulgent Genetics
Classification: Uncertain significance for Fanconi anemia complementation group P. Last evaluated: 2022-05-08. Review status: criteria provided, single submitter. Criteria: ACMG Guidelines, 2015. Collection method: clinical testing. Allele origin: unknown.

Genetic Services Laboratory, University of Chicago
Classification: Uncertain significance. Last evaluated: 2018-02-22. Review status: criteria provided, single submitter. Criteria: ACMG Guidelines, 2015. Collection method: clinical testing. Allele origin: germline. Affected: no.

NM_032444.4(SLX4):c.5476C>T (p.Arg1826Trp)

Gene: SLX4 (SLX4 structure-specific endonuclease subunit; minus strand). Cytogenetic location: 16p13.3.
Variant type: single nucleotide variant.
Coding change: c.5476C>T on transcript NM_032444.4 (MANE Select); coding-DNA position 5476, C replaced by T.
Protein change: p.Arg1826Trp; replaces arginine 1826 with tryptophan.
Molecular consequence: missense variant.
Genome position (GRCh38, 1-based): chr16:3,582,371, G>A on the plus strand (C>T on the coding strand, the complement: SLX4 is on the minus strand). VCF-style: chr16-3582371-G-A. GRCh37 (hg19) VCF-style: chr16-3632372-G-A.
Other names: short protein forms R1826W.
Identifiers: ClinVar variation 1336585 (VCV001336585.11), dbSNP rs199736788, ClinGen allele CA7865295.